The following is an entry in ClinVar:

NM_177438.3(DICER1):c.5320C>T (p.Gln1774Ter)

Gene: DICER1 (dicer 1, ribonuclease III; minus strand). Cytogenetic location: 14q32.13.
Variant type: single nucleotide variant.
Coding change: c.5320C>T on transcript NM_177438.3 (MANE Select); coding-DNA position 5320, C replaced by T.
Protein change: p.Gln1774Ter; replaces glutamine 1774 with a stop codon.
Molecular consequence: nonsense.
Genome position (GRCh38, 1-based): chr14:95,093,932, G>A on the plus strand (C>T on the coding strand, the complement: DICER1 is on the minus strand). VCF-style: chr14-95093932-G-A. GRCh37 (hg19) VCF-style: chr14-95560269-G-A.
Other names: c.5320C>T, p.Gln1774Ter (NM_001195573.1, NM_001271282.3, NM_001291628.2 and 1 more transcripts); c.5320C>T (NM_177438.2); short protein forms Q1774*.
Identifiers: ClinVar variation 1429378 (VCV001429378.8), dbSNP rs2139811427, ClinGen allele CA390864954.

ClinVar aggregate classification (germline): Pathogenic. Review status: criteria provided, multiple submitters, no conflicts (2 of 4 stars). 2 submissions from 2 submitters: Pathogenic (2). Last evaluated 2026-02-06.

Conditions:
Hereditary cancer-predisposing syndrome. Also called: Neoplastic Syndromes, Hereditary; Tumor predisposition; Hereditary Cancer Syndrome; Hereditary neoplastic syndrome. Identifiers: Orphanet 140162, MedGen C0027672, MeSH D009386, MONDO:0015356.
DICER1-related tumor predisposition. Also called: DICER1 syndrome; DICER1-related pleuropulmonary blastoma cancer predisposition syndrome. Identifiers: Orphanet 284343, MedGen C3839822, MONDO:0100216.

Submissions (2):

Ambry Genetics
Classification: Pathogenic for Hereditary cancer-predisposing syndrome. Last evaluated: 2026-02-06. Review status: criteria provided, single submitter. Criteria: Ambry Variant Classification Scheme 2023. Collection method: clinical testing. Allele origin: germline.
Comment: The p.Q1774* pathogenic mutation (also known as c.5320C>T), located in coding exon 23 of the DICER1 gene, results from a C to T substitution at nucleotide position 5320. This changes the amino acid from a glutamine to a stop codon within coding exon 23. This variant was reported in individual(s) with features consistent with DICER1-related tumor predisposition syndrome (Ambry internal data). This variant is considered to be rare based on population cohorts in the Genome Aggregation Database (gnomAD). This alteration is expected to result in loss of function by premature protein truncation or nonsense-mediated mRNA decay. As such, this alteration is interpreted as a disease-causing mutation.

Labcorp Genetics (formerly Invitae), Labcorp
Classification: Pathogenic for DICER1-related tumor predisposition. Last evaluated: 2024-12-29. Review status: criteria provided, single submitter. Criteria: Invitae Variant Classification Sherloc (09022015). Collection method: clinical testing. Allele origin: germline.
Comment: This sequence change creates a premature translational stop signal (p.Gln1774*) in the DICER1 gene. It is expected to result in an absent or disrupted protein product. Loss-of-function variants in DICER1 are known to be pathogenic (PMID: 19556464, 21266384). This variant is not present in population databases (gnomAD no frequency). This variant has not been reported in the literature in individuals affected with DICER1-related conditions. ClinVar contains an entry for this variant (Variation ID: 1429378). For these reasons, this variant has been classified as Pathogenic.

Literature cited by the submitters: PubMed 19556464 (cited by Labcorp Genetics (formerly Invitae), Labcorp); PubMed 21266384 (cited by Labcorp Genetics (formerly Invitae), Labcorp).